The following is an entry in ClinVar:

ClinVar aggregate classification (germline): Benign (1 of 4 stars; one submission).

Allele frequency attached by ClinVar (database versions not stated): gnomAD exomes 0.35137; gnomAD 0.35912 and 0.36378; TOPMed 0.36451; 1000 Genomes Project 30x 0.42473; 1000 Genomes Project 0.42871.
gnomAD v4.1: 283,215 of 801,040 alleles (35%); highest among the groups gnomAD compares: East Asian, 54%; 52,451 homozygotes.

Submission:

GeneDx
Classification: Benign. Last evaluated: 2018-06-18. Review status: criteria provided, single submitter. Criteria: GeneDx Variant Classification (06012015). Collection method: clinical testing. Allele origin: germline. Affected: yes.
Comment: This variant is considered likely benign or benign based on one or more of the following criteria: it is a conservative change, it occurs at a poorly conserved position in the protein, it is predicted to be benign by multiple in silico algorithms, and/or has population frequency not consistent with disease.

NM_182961.4(SYNE1):c.21862-148T>A

Gene: SYNE1 (spectrin repeat containing nuclear envelope protein 1; minus strand). Cytogenetic location: 6q25.2.
Variant type: single nucleotide variant.
Coding change: c.21862-148T>A on transcript NM_182961.4 (MANE Select); 148 bases into the intron before coding-DNA position 21862, T replaced by A.
Molecular consequence: intron variant.
Genome position (GRCh38, 1-based): chr6:152,219,333, A>T on the plus strand (T>A on the coding strand, the complement: SYNE1 is on the minus strand). VCF-style: chr6-152219333-A-T. GRCh37 (hg19) VCF-style: chr6-152540468-A-T.
Other names: c.21649-148T>A (NM_033071.5).
Identifiers: ClinVar variation 670203 (VCV000670203.1), dbSNP rs2147378, ClinGen allele CA12308843.